The following is an entry in ClinVar:

NM_007294.4(BRCA1):c.3547_3548delinsGG (p.Lys1183Gly)

Genes: BRCA1 (BRCA1 DNA repair associated; minus strand), LOC126862571 (BRD4-independent group 4 enhancer GRCh37_chr17:41243136-41244335; plus strand). Cytogenetic location: 17q21.31.
Variant type: Indel.
Coding change: c.3547_3548delinsGG on transcript NM_007294.4 (MANE Select); coding-DNA positions 3547 to 3548, AA replaced by GG.
Protein change: p.Lys1183Gly; replaces lysine 1183 with glycine.
Molecular consequence: missense variant. On other transcripts: intron variant (135).
Genome position (GRCh38, 1-based): chr17:43,091,983-43,091,984, TT replaced by CC on the plus strand (AA replaced by GG on the coding strand, the reverse complement: BRCA1 is on the minus strand). VCF-style: chr17-43091983-TT-CC. GRCh37 (hg19) VCF-style: chr17-41244000-TT-CC.
Other names: c.3547_3548delinsGG, p.Lys1183Gly (NM_001407596.1, NM_001407597.1, NM_001407598.1 and 30 more transcripts); c.3544_3545delinsGG, p.Lys1182Gly (NM_001407611.1, NM_001407612.1, NM_001407613.1 and 22 more transcripts); c.3166_3167delinsGG, p.Lys1056Gly (NM_001407959.1, NM_001407960.1, NM_001407963.1); c.3163_3164delinsGG, p.Lys1055Gly (NM_001407962.1); c.3403_3404delinsGG, p.Lys1135Gly (NM_001407964.1, NM_001407943.1, NM_001407740.1 and 20 more transcripts); c.3043_3044delinsGG, p.Lys1015Gly (NM_001407965.1); c.2659_2660delinsGG, p.Lys887Gly (NM_001407966.1, NM_001407967.1); c.943_944delinsGG, p.Lys315Gly (NM_001407968.1, NM_001407969.1); and 41 more; short protein forms K1055G, K1056G, K1071G, K1095G, K1113G, K1141G, K1157G, K1180G.
Identifiers: ClinVar variation 4215123 (VCV004215123.1).

ClinVar aggregate classification (germline): Uncertain significance (1 of 4 stars; one submission).

Conditions:
Hereditary cancer-predisposing syndrome. Also called: Neoplastic Syndromes, Hereditary; Tumor predisposition; Hereditary Cancer Syndrome; Hereditary neoplastic syndrome. Identifiers: Orphanet 140162, MedGen C0027672, MeSH D009386, MONDO:0015356.

Submission:

Ambry Genetics
Classification: Uncertain significance for Hereditary cancer-predisposing syndrome. Last evaluated: 2025-08-27. Review status: criteria provided, single submitter. Criteria: Ambry Variant Classification Scheme 2023. Collection method: clinical testing. Allele origin: germline.
Comment: The c.3547_3548delAAinsGG variant (also known as p.K1183G), located in coding exon 9 of the BRCA1 gene, results from an in-frame deletion of AA and insertion of GG at nucleotide positions 3547 to 3548. This results in the substitution of the lysine residue for a glycine residue at codon 1183, an amino acid with dissimilar properties. This amino acid position is poorly conserved in available vertebrate species. In addition, the in silico prediction for this variant is inconclusive (Choi Y et al. PLoS ONE. 2012; 7(10):e46688). Based on the available evidence, the clinical significance of this variant remains unclear.